The following is an entry in ClinVar:

ClinVar aggregate classification (germline): Benign/Likely benign. Review status: criteria provided, multiple submitters, no conflicts (2 of 4 stars). 9 submissions from 9 submitters: Benign (6); Likely benign (1). 2 of the submissions do not count toward it. Last evaluated 2026-02-04.

Conditions:
SLC12A6-related disorder. Also called: SLC12A6-related condition.
Inborn genetic diseases. Identifiers: MedGen C0950123, MeSH D030342.
Agenesis of the corpus callosum with peripheral neuropathy (ACCPN). Also called: Hereditary Motor and Sensory Neuropathy with Agenesis of the Corpus Callosum; POLYNEUROPATHY, SENSORIMOTOR, WITH OR WITHOUT AGENESIS OF THE CORPUS CALLOSUM; CHARLEVOIX DISEASE; HMSN/ACC. Identifiers: Orphanet 1496, MedGen C0795950, MONDO:0000902, OMIM 218000. Disease mechanism: loss of function.

Allele frequency attached by ClinVar (database versions not stated): gnomAD exomes 0.00147; ExAC 0.00176; 1000 Genomes Project 0.00459; 1000 Genomes Project 30x 0.00468; gnomAD 0.00552 and 0.00588; TOPMed 0.00615; ESP Exome Variant Server 0.00677.
gnomAD v4.1: 1,636 of 1,608,434 alleles (0.1%); highest among the groups gnomAD compares: African/African-American, 2%; 17 homozygotes.

Submissions (9):

Labcorp Genetics (formerly Invitae), Labcorp
Classification: Benign. Last evaluated: 2026-02-04. Review status: criteria provided, single submitter. Criteria: Invitae Variant Classification Sherloc (09022015). Collection method: clinical testing. Allele origin: germline.

Ambry Genetics
Classification: Likely benign for Inborn genetic diseases. Last evaluated: 2022-05-06. Review status: criteria provided, single submitter. Criteria: Ambry Variant Classification Scheme 2023. Collection method: clinical testing. Allele origin: germline.

Genome-Nilou Lab
Classification: Benign for Agenesis of the corpus callosum with peripheral neuropathy. Last evaluated: 2021-07-15. Review status: criteria provided, single submitter. Criteria: ACMG Guidelines, 2015. Collection method: clinical testing. Allele origin: germline. Affected: no.

Mayo Clinic Laboratories, Mayo Clinic
Classification: Benign. Last evaluated: 2020-03-10. Review status: criteria provided, single submitter. Criteria: ACMG Guidelines, 2015. Collection method: clinical testing. Allele origin: germline. Observed: 3 variant alleles.

Illumina Laboratory Services, Illumina
Classification: Benign for Agenesis of the corpus callosum with peripheral neuropathy. Last evaluated: 2018-01-13. Review status: criteria provided, single submitter. Criteria: ICSL Variant Classification Criteria 13 December 2019. Collection method: clinical testing. Allele origin: germline.
Comment: This variant was observed in the ICSL laboratory as part of a predisposition screen in an ostensibly healthy population. It had not been previously curated by ICSL or reported in the Human Gene Mutation Database (HGMD: prior to June 1st, 2018), and was therefore a candidate for classification through an automated scoring system. Utilizing variant allele frequency, disease prevalence and penetrance estimates, and inheritance mode, an automated score was calculated to assess if this variant is too frequent to cause the disease. Based on the score and internal cut-off values, a variant classified as benign is not then subjected to further curation. The score for this variant resulted in a classification of benign for this disease.

GeneDx
Classification: Benign. Last evaluated: 2015-08-25. Review status: criteria provided, single submitter. Criteria: GeneDx Variant Classification (06012015). Collection method: clinical testing. Allele origin: germline. Affected: yes.
Comment: This variant is considered likely benign or benign based on one or more of the following criteria: it is a conservative change, it occurs at a poorly conserved position in the protein, it is predicted to be benign by multiple in silico algorithms, and/or has population frequency not consistent with disease.

Breakthrough Genomics
Classification: Benign. Review status: criteria provided, single submitter. Criteria: ACMG Guidelines, 2015. Collection method: not provided. Allele origin: germline. Inheritance: Autosomal recessive inheritance. Affected: yes.

Natera, Inc.
Classification: Benign for Andermann syndrome. Last evaluated: 2020-09-16. Review status: no assertion criteria provided. Collection method: clinical testing. Allele origin: germline. Not counted in ClinVar's aggregate classification.

PreventionGenetics, part of Exact Sciences
Classification: Benign for SLC12A6-related condition. Last evaluated: 2019-02-19. Review status: no assertion criteria provided. Collection method: clinical testing. Allele origin: germline. Not counted in ClinVar's aggregate classification.
Comment: This variant is classified as benign based on ACMG/AMP sequence variant interpretation guidelines (Richards et al. 2015 PMID: 25741868, with internal and published modifications).

NM_001365088.1(SLC12A6):c.1269C>T (p.Tyr423=)

Gene: SLC12A6 (solute carrier family 12 member 6; minus strand). Cytogenetic location: 15q14.
Variant type: single nucleotide variant.
Coding change: c.1269C>T on transcript NM_001365088.1 (MANE Select); coding-DNA position 1269, C replaced by T.
Protein change: p.Tyr423=; no amino-acid change (tyrosine 423 retained).
Molecular consequence: synonymous variant.
Genome position (GRCh38, 1-based): chr15:34,252,234, G>A on the plus strand (C>T on the coding strand, the complement: SLC12A6 is on the minus strand). VCF-style: chr15-34252234-G-A. GRCh37 (hg19) VCF-style: chr15-34544435-G-A.
Other names: p.Tyr423=; c.1092C>T, p.Tyr364= (NM_001042494.2, NM_001042495.2); c.1242C>T, p.Tyr414= (NM_001042496.2); c.1224C>T, p.Tyr408= (NM_001042497.2); c.1116C>T, p.Tyr372= (NM_005135.2); c.1269C>T, p.Tyr423= (NM_133647.2).
Identifiers: ClinVar variation 378582 (VCV000378582.24), dbSNP rs114911287, ClinGen allele CA7464347.
Genomic context (GRCh38, chr15:34,252,234, plus strand): 5'-AATTATACCACTAGCCAATCCAGGAATGCCCTGGATTGAAGTGACGTTATTGTGAACAAA[G>A]TATTCATCACAGGTGGCATTGAAAAATTGACTCGAGTTACAGAAGAATCCCCATAACTTT-3'
Protein context (NP_001352017.1, residues 413-433): SQFFNATCDE[Tyr423=]FVHNNVTSIQ